The following is an entry in ClinVar:

ClinVar aggregate classification (germline): Likely pathogenic (1 of 4 stars; one submission).

Conditions:
Intellectual developmental disorder with gastrointestinal difficulties and high pain threshold (JDVS). Also called: JANSEN-DE VRIES SYNDROME. Identifiers: Orphanet 653767, MedGen C4479517, MONDO:0044318, OMIM 617450.

Submission:

3billion
Classification: Likely pathogenic for Intellectual developmental disorder with gastrointestinal difficulties and high pain threshold. Last evaluated: 2022-05-22. Review status: criteria provided, single submitter. Criteria: ACMG Guidelines, 2015. Collection method: clinical testing. Allele origin: germline. Affected: yes. Observed: 1 heterozygote.
Comment: The variant is not observed in the gnomAD v2.1.1 dataset. Frameshift: predicted to result in a loss or disruption of normal protein function through protein truncation. Multiple pathogenic variants are reported in the predicted truncated region. Therefore, this variant is classified as likely pathogenic according to the recommendation of ACMG/AMP guideline.

NM_003620.4(PPM1D):c.1221_1222insTC (p.Val408fs)

Gene: PPM1D (protein phosphatase, Mg2+/Mn2+ dependent 1D; plus strand). Cytogenetic location: 17q23.2.
Variant type: Insertion.
Coding change: c.1221_1222insTC on transcript NM_003620.4 (MANE Select); coding-DNA positions 1221 to 1222, TC inserted.
Protein change: p.Val408fs; shifts the reading frame from valine 408.
Molecular consequence: frameshift variant.
Genome position: GRCh38 VCF-style: chr17-60656802-T-TTC. GRCh37 (hg19) VCF-style: chr17-58734163-T-TTC.
Other names: short protein forms V408fs.
Identifiers: ClinVar variation 1687597 (VCV001687597.1), dbSNP rs2143719799, ClinGen allele CA2573154261.